The following is an entry in ClinVar:

NM_016648.4(LARP7):c.461_462del (p.Ile154fs)

Genes: LARP7 (La ribonucleoprotein 7, transcriptional regulator; plus strand), MIR302CHG (miR-302/367 cluster host gene; minus strand). Cytogenetic location: 4q25.
Variant type: Microsatellite.
Coding change: c.461_462del on transcript NM_016648.4 (MANE Select); coding-DNA positions 461 to 462, 2 bases deleted (TA; older notation c.461_462delTA).
Protein change: p.Ile154fs; shifts the reading frame from isoleucine 154.
Molecular consequence: frameshift variant. On other transcripts: non-coding transcript variant (3).
Genome position (GRCh38, 1-based): chr4:112,646,864-112,646,865, TA deleted; deleting any 2 consecutive bases within chr4:112,646,860-112,646,865 gives the same sequence; the c. name uses the placement nearest the transcript's 3' end. VCF-style (leftmost placement, unchanged base first): chr4-112646859-TTA-T. GRCh37 (hg19) VCF-style: chr4-113568015-TTA-T.
Other names: c.461_462del, p.Ile154fs (NM_001267039.4, NM_001370974.1, NM_001370975.1 and 6 more transcripts); c.224_225del, p.Ile75fs (NM_001370981.1, NM_001370982.1); short protein forms I75fs, I154fs.
Identifiers: ClinVar variation 1957190 (VCV001957190.2), dbSNP rs1298498718, ClinGen allele CA554146367.

ClinVar aggregate classification (germline): Pathogenic (1 of 4 stars; one submission).

Submission:

Labcorp Genetics (formerly Invitae), Labcorp
Classification: Pathogenic. Last evaluated: 2022-10-16. Review status: criteria provided, single submitter. Criteria: Invitae Variant Classification Sherloc (09022015). Collection method: clinical testing. Allele origin: germline.
Comment: This sequence change creates a premature translational stop signal (p.Ile154Lysfs*6) in the LARP7 gene. It is expected to result in an absent or disrupted protein product. Loss-of-function variants in LARP7 are known to be pathogenic (PMID: 22865833, 26374271, 26607181). This variant is present in population databases (no rsID available, gnomAD 0.003%). This variant has not been reported in the literature in individuals affected with LARP7-related conditions. For these reasons, this variant has been classified as Pathogenic.

Literature cited by the submitters: PubMed 22865833; PubMed 26374271; PubMed 26607181.